The following is an entry in ClinVar:

NM_015259.6(ICOSLG):c.311C>T (p.Thr104Ile)

Gene: ICOSLG (inducible T cell costimulator ligand; minus strand). Cytogenetic location: 21q22.3.
Variant type: single nucleotide variant.
Coding change: c.311C>T on transcript NM_015259.6 (MANE Select); coding-DNA position 311, C replaced by T.
Protein change: p.Thr104Ile; replaces threonine 104 with isoleucine.
Molecular consequence: missense variant. On other transcripts: intron variant (1).
Genome position (GRCh38, 1-based): chr21:44,236,962, G>A on the plus strand (C>T on the coding strand, the complement: ICOSLG is on the minus strand). VCF-style: chr21-44236962-G-A. GRCh37 (hg19) VCF-style: chr21-45656845-G-A.
Other names: c.311C>T, p.Thr104Ile (NM_001283050.2, NM_001395918.1); c.56C>T, p.Thr19Ile (NM_001283052.2); c.230C>T, p.Thr77Ile (NM_001365759.2); c.56-1400C>T (NM_001283051.2); short protein forms T104I, T19I, T77I.
Identifiers: ClinVar variation 2871854 (VCV002871854.3), dbSNP rs375915753, ClinGen allele CA321498150.

ClinVar aggregate classification (germline): Uncertain significance (1 of 4 stars; one submission).

Allele frequency attached by ClinVar (database versions not stated): ExAC 0.00002; ESP Exome Variant Server 0.00008.

Submission:

Labcorp Genetics (formerly Invitae), Labcorp
Classification: Uncertain significance. Last evaluated: 2025-10-13. Review status: criteria provided, single submitter. Criteria: Invitae Variant Classification Sherloc (09022015). Collection method: clinical testing. Allele origin: germline.
Comment: This sequence change replaces threonine, which is neutral and polar, with isoleucine, which is neutral and non-polar, at codon 104 of the ICOSLG protein (p.Thr104Ile). This variant is present in population databases (rs375915753, gnomAD 0.01%). This variant has not been reported in the literature in individuals affected with ICOSLG-related conditions. ClinVar contains an entry for this variant (Variation ID: 2871854). An algorithm developed to predict the effect of missense changes on protein structure and function (PolyPhen-2) suggests that this variant is likely to be disruptive. In summary, the available evidence is currently insufficient to determine the role of this variant in disease. Therefore, it has been classified as a Variant of Uncertain Significance.